The following is an entry in ClinVar:

NM_001267550.2(TTN):c.69742C>T (p.His23248Tyr)

Genes: TTN (titin; minus strand), TTN-AS1 (TTN antisense RNA 1; plus strand), LOC126806422 (BRD4-independent group 4 enhancer GRCh37_chr2:179440205-179441404; plus strand). Cytogenetic location: 2q31.2.
Variant type: single nucleotide variant.
Coding change: c.69742C>T on transcript NM_001267550.2 (MANE Select); coding-DNA position 69742, C replaced by T.
Protein change: p.His23248Tyr; replaces histidine 23248 with tyrosine.
Molecular consequence: missense variant.
Genome position (GRCh38, 1-based): chr2:178,576,390, G>A on the plus strand (C>T on the coding strand, the complement: TTN is on the minus strand). VCF-style: chr2-178576390-G-A. GRCh37 (hg19) VCF-style: chr2-179441117-G-A.
Other names: c.64819C>T, p.His21607Tyr (NM_001256850.1); c.42547C>T, p.His14183Tyr (NM_003319.4); c.62038C>T, p.His20680Tyr (NM_133378.4); c.42922C>T, p.His14308Tyr (NM_133432.3); c.43123C>T, p.His14375Tyr (NM_133437.4); short protein forms H14183Y, H14308Y, H14375Y, H20680Y, H21607Y, H23248Y.
Identifiers: ClinVar variation 3381399 (VCV003381399.1).

ClinVar aggregate classification (germline): Uncertain significance (1 of 4 stars; one submission).

gnomAD v4.1: 5 of 1,565,106 alleles (0.00032%); highest among the groups gnomAD compares: African/African-American, 0.0069%; no homozygotes.

Submission:

GeneDx
Classification: Uncertain significance. Last evaluated: 2024-05-22. Review status: criteria provided, single submitter. Criteria: GeneDx Variant Classification Process June 2021. Collection method: clinical testing. Allele origin: germline. Affected: yes.
Comment: Not observed at significant frequency in large population cohorts (gnomAD); Missense variant in a gene in which most reported pathogenic variants are truncating/loss of function; Has not been previously published as pathogenic or benign to our knowledge